The following is an entry in ClinVar:

NM_002693.3(POLG):c.3208C>T (p.Pro1070Ser)

Gene: POLG (DNA polymerase gamma, catalytic subunit; minus strand). Cytogenetic location: 15q26.1.
Variant type: single nucleotide variant.
Coding change: c.3208C>T on transcript NM_002693.3 (MANE Select); coding-DNA position 3208, C replaced by T.
Protein change: p.Pro1070Ser; replaces proline 1070 with serine.
Molecular consequence: missense variant.
Genome position (GRCh38, 1-based): chr15:89,318,996, G>A on the plus strand (C>T on the coding strand, the complement: POLG is on the minus strand). VCF-style: chr15-89318996-G-A. GRCh37 (hg19) VCF-style: chr15-89862227-G-A.
Other names: c.3208C>T, p.Pro1070Ser (NM_001126131.2); short protein forms P1070S.
Identifiers: ClinVar variation 3636633 (VCV003636633.2).

ClinVar aggregate classification (germline): Uncertain significance (1 of 4 stars; one submission).

Conditions:
Progressive sclerosing poliodystrophy (MTDPS4A). Also called: ALPERS PROGRESSIVE INFANTILE POLIODYSTROPHY; NEURONAL DEGENERATION OF CHILDHOOD WITH LIVER DISEASE, PROGRESSIVE; Alpers Syndrome; ALPERS DIFFUSE DEGENERATION OF CEREBRAL GRAY MATTER WITH HEPATIC CIRRHOSIS; Alpers-Huttenlocher Syndrome; Mitochondrial DNA depletion syndrome 4A (Alpers type). Identifiers: Orphanet 726, MedGen C0205710, MONDO:0008758, OMIM 203700.

gnomAD v4.1: 1 of 1,614,112 alleles (0.000062%); highest among the groups gnomAD compares: Non-Finnish European, 0.000085%; no homozygotes.

Submission:

Labcorp Genetics (formerly Invitae), Labcorp
Classification: Uncertain significance for Progressive sclerosing poliodystrophy. Last evaluated: 2024-03-05. Review status: criteria provided, single submitter. Criteria: Invitae Variant Classification Sherloc (09022015). Collection method: clinical testing. Allele origin: germline.
Comment: This sequence change replaces proline, which is neutral and non-polar, with serine, which is neutral and polar, at codon 1070 of the POLG protein (p.Pro1070Ser). This variant is not present in population databases (gnomAD no frequency). This variant has not been reported in the literature in individuals affected with POLG-related conditions. Advanced modeling of protein sequence and biophysical properties (such as structural, functional, and spatial information, amino acid conservation, physicochemical variation, residue mobility, and thermodynamic stability) performed at Invitae indicates that this missense variant is expected to disrupt POLG protein function with a positive predictive value of 95%. In summary, the available evidence is currently insufficient to determine the role of this variant in disease. Therefore, it has been classified as a Variant of Uncertain Significance.